The following is an entry in ClinVar:

ClinVar aggregate classification (germline): Uncertain significance (1 of 4 stars; one submission).

Conditions:
PCNT-related disorder. Also called: PCNT-related condition.

Submission:

PreventionGenetics, part of Exact Sciences
Classification: Uncertain significance for PCNT-related condition. Last evaluated: 2024-12-02. Review status: criteria provided, single submitter. Criteria: ACMG Guidelines, 2015. Collection method: clinical testing. Allele origin: germline.
Comment: The PCNT c.148G>C variant is predicted to result in the amino acid substitution p.Val50Leu. To our knowledge, this variant has not been reported in the literature or in a large population database (gnomAD), indicating this variant is rare. At this time, the clinical significance of this variant is uncertain due to the absence of conclusive functional and genetic evidence.

NM_006031.6(PCNT):c.148G>C (p.Val50Leu)

Genes: PCNT (pericentrin; plus strand), LOC128092249 (uncharacterized LOC128092249; plus strand). Cytogenetic location: 21q22.3.
Variant type: single nucleotide variant.
Coding change: c.148G>C on transcript NM_006031.6 (MANE Select); coding-DNA position 148, G replaced by C.
Protein change: p.Val50Leu; replaces valine 50 with leucine.
Molecular consequence: missense variant. On other transcripts: synonymous variant (1), 5 prime UTR variant (1).
Genome position (GRCh38, 1-based): chr21:46,326,470, G>C. VCF-style: chr21-46326470-G-C. GRCh37 (hg19) VCF-style: chr21-47746384-G-C.
Other names: c.183G>C, p.Leu61= (NM_001414902.1); c.-207G>C (NM_001315529.2); short protein forms V50L.
Identifiers: ClinVar variation 5002417 (VCV005002417.1).
Genomic context (GRCh38, chr21:46,326,470, plus strand): 5'-GACAGTTCGCATTCGGAGAAAAAGACGGCGAAGAGGAAGGGCTCGGCTGTCGATGCGTCT[G>C]TCCAGGAGGAGAGTCCGGTAACCAAGGAGGACAGCGCACTCTGTGGAGGAGGGGACATTT-3'
Protein context (NP_006022.3, residues 40-60): KRKGSAVDAS[Val50Leu]QEESPVTKED